The following is an entry in ClinVar:

ClinVar aggregate classification (germline): Benign/Likely benign. Review status: criteria provided, multiple submitters, no conflicts (2 of 4 stars). 9 submissions from 8 submitters: Benign (6); Likely benign (3). Last evaluated 2026-02-02.

Conditions:
Autoinflammatory syndrome. Identifiers: Orphanet 93665, MedGen C3890737, MONDO:0019751.
Blau syndrome (BLAUS). Also called: GRANULOMATOSIS, FAMILIAL JUVENILE SYSTEMIC; GRANULOMATOSIS, FAMILIAL, BLAU TYPE; GRANULOMATOUS INFLAMMATORY ARTHRITIS, DERMATITIS, AND UVEITIS, FAMILIAL; JABS SYNDROME; ARTHROCUTANEOUVEAL GRANULOMATOSIS. Identifiers: Orphanet 90340, MedGen C5201146, MONDO:0008523, OMIM 186580.
Regional enteritis. Also called: Enteritis, Granulomatous. Identifiers: MedGen C0678202, MeSH D003424.
Inflammatory bowel disease 1 (IBD1). Also called: INFLAMMATORY BOWEL DISEASE (CROHN DISEASE) 1; Inflammatory bowel disease 1, Crohn disease. Identifiers: MedGen CN260071, MONDO:0009960, OMIM 266600.

Allele frequency attached by ClinVar (database versions not stated): 1000 Genomes Project 30x 0.00453; 1000 Genomes Project 0.00479; TOPMed 0.00930; ESP Exome Variant Server 0.01177; ExAC 0.01218; gnomAD exomes 0.01292 and 0.01474; gnomAD 0.01378 and 0.01447.
gnomAD v4.1: 23,333 of 1,613,204 alleles (1.4%); highest among the groups gnomAD compares: Non-Finnish European, 1.6%; 240 homozygotes.

Submissions (9):

Labcorp Genetics (formerly Invitae), Labcorp
Classification: Benign for Regional enteritis; Blau syndrome. Last evaluated: 2026-02-02. Review status: criteria provided, single submitter. Criteria: Invitae Variant Classification Sherloc (09022015). Collection method: clinical testing. Allele origin: germline.

Women's Health and Genetics/Laboratory Corporation of America, LabCorp
Classification: Benign. Last evaluated: 2026-01-23. Review status: criteria provided, single submitter. Criteria: LabCorp Variant Classification Summary - May 2015. Collection method: clinical testing. Allele origin: germline.

ARUP Laboratories, Molecular Genetics and Genomics, ARUP Laboratories
Classification: Benign. Last evaluated: 2025-07-28. Review status: criteria provided, single submitter. Criteria: ARUP Molecular Germline Variant Investigation Process 2024. Collection method: clinical testing. Allele origin: germline.

Blueprint Genetics
Classification: Likely benign. Last evaluated: 2024-11-27. Review status: criteria provided, single submitter. Criteria: ACMG Guidelines, 2015. Collection method: clinical testing. Allele origin: germline.

Mayo Clinic Laboratories, Mayo Clinic
Classification: Benign. Last evaluated: 2023-01-16. Review status: criteria provided, single submitter. Criteria: ACMG Guidelines, 2015. Collection method: clinical testing. Allele origin: germline. Observed: 22 variant alleles.
Comment: BS1, BS2, BP4, BP7

Genome Diagnostics Laboratory, The Hospital for Sick Children
Classification: Benign for Autoinflammatory syndrome. Last evaluated: 2022-03-17. Review status: criteria provided, single submitter. Criteria: ACMG Guidelines, 2015. Collection method: clinical testing. Allele origin: germline. Affected: yes.

Illumina Laboratory Services, Illumina
Classification: Likely benign for Inflammatory bowel disease 1. Last evaluated: 2018-01-12. Review status: criteria provided, single submitter. Criteria: ICSL Variant Classification Criteria 13 December 2019. Collection method: clinical testing. Allele origin: germline.
Comment: This variant was observed in the ICSL laboratory as part of a predisposition screen in an ostensibly healthy population. It had not been previously curated by ICSL or reported in the Human Gene Mutation Database (HGMD: prior to June 1st, 2018), and was therefore a candidate for classification through an automated scoring system. Utilizing variant allele frequency, disease prevalence and penetrance estimates, and inheritance mode, an automated score was calculated to assess if this variant is too frequent to cause the disease. Based on the score and internal cut-off values, a variant classified as likely benign is not then subjected to further curation. The score for this variant resulted in a classification of likely benign for this disease.

Illumina Laboratory Services, Illumina
Classification: Benign for Blau syndrome. Last evaluated: 2018-01-12. Review status: criteria provided, single submitter. Criteria: ICSL Variant Classification Criteria 13 December 2019. Collection method: clinical testing. Allele origin: germline.
Comment: This variant was observed in the ICSL laboratory as part of a predisposition screen in an ostensibly healthy population. It had not been previously curated by ICSL or reported in the Human Gene Mutation Database (HGMD: prior to June 1st, 2018), and was therefore a candidate for classification through an automated scoring system. Utilizing variant allele frequency, disease prevalence and penetrance estimates, and inheritance mode, an automated score was calculated to assess if this variant is too frequent to cause the disease. Based on the score and internal cut-off values, a variant classified as benign is not then subjected to further curation. The score for this variant resulted in a classification of benign for this disease.

Breakthrough Genomics
Classification: Likely benign. Review status: criteria provided, single submitter. Criteria: ACMG Guidelines, 2015. Collection method: not provided. Allele origin: germline. Inheritance: Autosomal dominant inheritance. Affected: yes.

NM_001370466.1(NOD2):c.2381+10A>C

Gene: NOD2 (nucleotide binding oligomerization domain containing 2; plus strand). Cytogenetic location: 16q12.1.
Variant type: single nucleotide variant.
Coding change: c.2381+10A>C on transcript NM_001370466.1 (MANE Select); 10 bases into the intron after coding-DNA position 2381, A replaced by C.
Molecular consequence: intron variant.
Genome position (GRCh38, 1-based): chr16:50,712,383, A>C. VCF-style: chr16-50712383-A-C. GRCh37 (hg19) VCF-style: chr16-50746294-A-C.
Other names: p.?; c.2462+10A>C (LRG_177t1, NM_022162.3); c.2381+10A>C (NM_001293557.2).
Identifiers: ClinVar variation 319465 (VCV000319465.34), dbSNP rs72796353, ClinGen allele CA8051775.